The following is an entry in ClinVar:

ClinVar aggregate classification (germline): Uncertain significance (1 of 4 stars; one submission).

Conditions:
Long QT syndrome (LQTS). Identifiers: MedGen C0023976, MeSH D008133, MONDO:0002442. Disease mechanism: loss of function. Inheritance: Various modes of inheritance.

Allele frequency attached by ClinVar (database versions not stated): gnomAD exomes below 0.00001; ExAC 0.00001.
gnomAD v4.1: 1 of 1,614,176 alleles (0.000062%); highest among the groups gnomAD compares: East Asian, 0.0022%; no homozygotes.

Submission:

Labcorp Genetics (formerly Invitae), Labcorp
Classification: Uncertain significance for Long QT syndrome. Last evaluated: 2022-10-24. Review status: criteria provided, single submitter. Criteria: Invitae Variant Classification Sherloc (09022015). Collection method: clinical testing. Allele origin: germline.
Comment: In summary, the available evidence is currently insufficient to determine the role of this variant in disease. Therefore, it has been classified as a Variant of Uncertain Significance. Algorithms developed to predict the effect of missense changes on protein structure and function (SIFT, PolyPhen-2, Align-GVGD) all suggest that this variant is likely to be tolerated. ClinVar contains an entry for this variant (Variation ID: 1348907). This variant has not been reported in the literature in individuals affected with ANK2-related conditions. This variant is present in population databases (rs756817921, gnomAD 0.006%). This sequence change replaces glutamic acid, which is acidic and polar, with lysine, which is basic and polar, at codon 3957 of the ANK2 protein (p.Glu3957Lys).

NM_001148.6(ANK2):c.11869G>A (p.Glu3957Lys)

Gene: ANK2 (ankyrin 2; plus strand). Cytogenetic location: 4q26.
Variant type: single nucleotide variant.
Coding change: c.11869G>A on transcript NM_001148.6 (MANE Select); coding-DNA position 11869, G replaced by A.
Protein change: p.Glu3957Lys; replaces glutamic acid 3957 with lysine.
Molecular consequence: missense variant.
Genome position (GRCh38, 1-based): chr4:113,381,466, G>A. VCF-style: chr4-113381466-G-A. GRCh37 (hg19) VCF-style: chr4-114302622-G-A.
Other names: c.5587G>A, p.Glu1863Lys (NM_001127493.3); c.5809G>A, p.Glu1937Lys (NM_001354225.2); c.5791G>A, p.Glu1931Lys (NM_001354228.2); c.5776G>A, p.Glu1926Lys (NM_001354230.2); c.5749G>A, p.Glu1917Lys (NM_001354231.2); c.5743G>A, p.Glu1915Lys (NM_001354232.2); c.5704G>A, p.Glu1902Lys (NM_001354235.2); c.5695G>A, p.Glu1899Lys (NM_001354236.2); and 57 more; short protein forms E1060K, E1689K, E1755K, E1794K, E1838K, E1851K, E1855K, E1858K.
Identifiers: ClinVar variation 1348907 (VCV001348907.8), dbSNP rs756817921, ClinGen allele CA3052446.